The following is an entry in ClinVar:

ClinVar aggregate classification (germline): Conflicting classifications of pathogenicity. Review status: criteria provided, conflicting classifications (1 of 4 stars). 5 submissions from 5 submitters: Pathogenic (1); Likely pathogenic (2); Uncertain significance (1). 1 of the submissions does not count toward it. Last evaluated 2025-01-30.

Conditions:
Thrombocytopenia. Identifiers: MedGen C0040034, MeSH D013921, MONDO:0002049, HP:0001873.
Thrombocytopenia 2 (THC2). Also called: ANKRD26-Related Thrombocytopenia. Identifiers: Orphanet 268322, MedGen C1861185, MONDO:0008555, OMIM 188000.

Submissions (5):

Labcorp Genetics (formerly Invitae), Labcorp
Classification: Uncertain significance. Last evaluated: 2025-01-30. Review status: criteria provided, single submitter. Criteria: Invitae Variant Classification Sherloc (09022015). Collection method: clinical testing. Allele origin: germline.
Comment: This variant occurs in a non-coding region of the ANKRD26 gene. It does not change the encoded amino acid sequence of the ANKRD26 protein. This variant is not present in population databases (gnomAD no frequency). This variant has been observed in individual(s) with thrombocytopenia (PMID: 21467542, 22672365, 32581362, 35295078). It has also been observed to segregate with disease in related individuals. ClinVar contains an entry for this variant (Variation ID: 626942). In summary, the available evidence is currently insufficient to determine the role of this variant in disease. Therefore, it has been classified as a Variant of Uncertain Significance.

Mayo Clinic Laboratories, Mayo Clinic
Classification: Likely pathogenic. Last evaluated: 2024-10-09. Review status: criteria provided, single submitter. Criteria: ACMG Guidelines, 2015. Collection method: clinical testing. Allele origin: germline. Observed: 1 variant allele.
Comment: PP1, PM1, PM2_supporting, PS4_moderate

Fulgent Genetics
Classification: Likely pathogenic for Thrombocytopenia 2. Last evaluated: 2024-06-16. Review status: criteria provided, single submitter. Criteria: ACMG Guidelines, 2015. Collection method: clinical testing. Allele origin: germline.

NIHR Bioresource Rare Diseases, University of Cambridge
Classification: Pathogenic for Thrombocytopenia. Last evaluated: 2019-02-01. Review status: criteria provided, single submitter. Criteria: ACMG Guidelines, 2015. Collection method: research. Allele origin: unknown. Affected: yes. Observed: 1 heterozygote. Study: ThromboGenomics.

ISTH-SSC Genomics in Thrombosis and Hemostasis, KU Leuven, Center for Molecular and Vascular Biology
Classification: Pathogenic for Thrombocytopenia 2. Review status: no assertion criteria provided. Collection method: research. Allele origin: unknown. Affected: yes. Not counted in ClinVar's aggregate classification.
Comment: Submitted to GoldVariant by Dr Karyn Mégy from NIHR Bioresource - Cambridge University, UK

Literature cited by the submitters: PubMed 21467542 (cited by Labcorp Genetics (formerly Invitae), Labcorp and Mayo Clinic Laboratories, Mayo Clinic); PubMed 22672365 (cited by Labcorp Genetics (formerly Invitae), Labcorp); PubMed 32581362 (cited by Labcorp Genetics (formerly Invitae), Labcorp and Mayo Clinic Laboratories, Mayo Clinic); PubMed 35295078 (cited by Labcorp Genetics (formerly Invitae), Labcorp and Mayo Clinic Laboratories, Mayo Clinic); PubMed 28277066 (cited by Mayo Clinic Laboratories, Mayo Clinic); PubMed 29545013 (cited by Mayo Clinic Laboratories, Mayo Clinic); PubMed 31064749 (cited by Mayo Clinic Laboratories, Mayo Clinic and NIHR Bioresource Rare Diseases, University of Cambridge); PubMed 32351539 (cited by Mayo Clinic Laboratories, Mayo Clinic); PubMed 35587581 (cited by Mayo Clinic Laboratories, Mayo Clinic); PubMed 36651276 (cited by Mayo Clinic Laboratories, Mayo Clinic); PubMed 37745687 (cited by Mayo Clinic Laboratories, Mayo Clinic).

NM_014915.3(ANKRD26):c.-127A>G

Gene: ANKRD26 (ankyrin repeat domain 26; minus strand). Cytogenetic location: 10p12.1.
Variant type: single nucleotide variant.
Coding change: c.-127A>G on transcript NM_014915.3 (MANE Select); 127 bases upstream of the start codon, A replaced by G.
Molecular consequence: 5 prime UTR variant.
Genome position (GRCh38, 1-based): chr10:27,100,453, T>C on the plus strand (A>G on the coding strand, the complement: ANKRD26 is on the minus strand). VCF-style: chr10-27100453-T-C. GRCh37 (hg19) VCF-style: chr10-27389382-T-C.
Other names: p.?; c.-127A>G (NM_001256053.2).
Identifiers: ClinVar variation 626942 (VCV000626942.8), dbSNP rs1589393799, ClinGen allele CA913185987.